The following is an entry in ClinVar:

ClinVar aggregate classification (germline): Uncertain significance (1 of 4 stars; one submission).

Conditions:
Hereditary cancer-predisposing syndrome. Also called: Neoplastic Syndromes, Hereditary; Tumor predisposition; Hereditary Cancer Syndrome; Hereditary neoplastic syndrome. Identifiers: Orphanet 140162, MedGen C0027672, MeSH D009386, MONDO:0015356.

Submission:

Ambry Genetics
Classification: Uncertain significance for Hereditary cancer-predisposing syndrome. Last evaluated: 2025-07-28. Review status: criteria provided, single submitter. Criteria: Ambry Variant Classification Scheme 2023. Collection method: clinical testing. Allele origin: germline.
Comment: The p.K91Q variant (also known as c.271A>C), located in coding exon 3 of the SDHAF2 gene, results from an A to C substitution at nucleotide position 271. The lysine at codon 91 is replaced by glutamine, an amino acid with similar properties. This amino acid position is conserved. In addition, the in silico prediction for this alteration is inconclusive. Based on the available evidence, the clinical significance of this variant remains unclear.

NM_017841.4(SDHAF2):c.271A>C (p.Lys91Gln)

Gene: SDHAF2 (succinate dehydrogenase complex assembly factor 2; plus strand). Cytogenetic location: 11q12.2.
Variant type: single nucleotide variant.
Coding change: c.271A>C on transcript NM_017841.4 (MANE Select); coding-DNA position 271, A replaced by C.
Protein change: p.Lys91Gln; replaces lysine 91 with glutamine.
Molecular consequence: missense variant.
Genome position (GRCh38, 1-based): chr11:61,438,014, A>C. VCF-style: chr11-61438014-A-C. GRCh37 (hg19) VCF-style: chr11-61205486-A-C.
Other names: short protein forms K91Q.
Identifiers: ClinVar variation 4161220 (VCV004161220.1).
Genomic context (GRCh38, chr11:61,438,014, plus strand): 5'-TAGACACAGCCTTCTCAACCTCTTTTTCTTTTTTTCTTTCTTGTTTTTAGTCTTTTTGCT[A>C]AAGAACATCTGCAGCACATGACAGAAAAGCAGCTGAACCTCTATGACCGCCTGATTAACG-3'
Protein context (NP_060311.1, residues 81-101): ENCILLSLFA[Lys91Gln]EHLQHMTEKQ